The following is an entry in ClinVar:

NM_001035.3(RYR2):c.908G>A (p.Gly303Glu)

Gene: RYR2 (ryanodine receptor 2; plus strand). Cytogenetic location: 1q43.
Variant type: single nucleotide variant.
Coding change: c.908G>A on transcript NM_001035.3 (MANE Select); coding-DNA position 908, G replaced by A.
Protein change: p.Gly303Glu; replaces glycine 303 with glutamic acid.
Molecular consequence: missense variant.
Genome position (GRCh38, 1-based): chr1:237,423,151, G>A. VCF-style: chr1-237423151-G-A. GRCh37 (hg19) VCF-style: chr1-237586451-G-A.
Other names: short protein forms G303E.
Identifiers: ClinVar variation 3385659 (VCV003385659.5).

ClinVar aggregate classification (germline): Uncertain significance. Review status: criteria provided, multiple submitters, no conflicts (2 of 4 stars). 4 submissions from 4 submitters: Uncertain significance (4). Last evaluated 2025-02-16.

Conditions:
Catecholaminergic polymorphic ventricular tachycardia (CVPT). Also called: Catecholamine-induced polymorphic ventricular tachycardia. Identifiers: Orphanet 3286, MedGen C5574922, MONDO:0017990.
Catecholaminergic polymorphic ventricular tachycardia 1. Also called: VENTRICULAR TACHYCARDIA, CATECHOLAMINERGIC POLYMORPHIC, 1, WITH OR WITHOUT ATRIAL DYSFUNCTION AND/OR DILATED CARDIOMYOPATHY; VENTRICULAR TACHYCARDIA, STRESS-INDUCED POLYMORPHIC 1; RYR2-Related Catecholaminergic Polymorphic Ventricular Tachycardia. Identifiers: Orphanet 3286, MedGen C1631597, MONDO:0011484, OMIM 604772.
Cardiomyopathy (CMYO). Also called: Cardiomyopathies. Identifiers: Orphanet 167848, MedGen C0878544, MONDO:0004994, HP:0001638. Inheritance: Various modes of inheritance.

gnomAD v4.1: 13 of 1,613,656 alleles (0.00081%); highest among the groups gnomAD compares: Non-Finnish European, 0.0011%; no homozygotes.

Submissions (4):

Laboratory of Genetics, Children's Clinical University Hospital Latvia
Classification: Uncertain significance. Last evaluated: 2025-02-16. Review status: criteria provided, single submitter. Criteria: ACMG Guidelines, 2015. Collection method: clinical testing. Allele origin: germline. Affected: yes.

All of Us Research Program, National Institutes of Health
Classification: Uncertain significance for Catecholaminergic polymorphic ventricular tachycardia. Last evaluated: 2024-07-29. Review status: criteria provided, single submitter. Criteria: ACMG Guidelines, 2015. Collection method: clinical testing. Allele origin: germline. Inheritance: Autosomal dominant inheritance. Observed: 1 variant allele, 1 heterozygote.
Comment: This missense variant replaces glycine with glutamic acid at codon 303 of the RYR2 protein. Computational prediction suggests that this variant may have deleterious impact on protein structure and function. To our knowledge, functional studies have not been reported for this variant. This variant has not been reported in individuals affected with RYR2-related disorders in the literature. This variant has been identified in 2/31394 chromosomes in the general population by the Genome Aggregation Database (gnomAD). The available evidence is insufficient to determine the role of this variant in disease conclusively. Therefore, this variant is classified as a Variant of Uncertain Significance.

This study involves interpretation of variants in research participants for the purpose of population health screening. Participant phenotype was not available at the time of variant classification. Additional details can be found in publication PMID: 35346344, PMCID: PMC8962531

Color Diagnostics, LLC DBA Color Health
Classification: Uncertain significance for Cardiomyopathy. Last evaluated: 2024-07-18. Review status: criteria provided, single submitter. Criteria: ACMG Guidelines, 2015. Collection method: clinical testing. Allele origin: germline.
Comment: This missense variant replaces glycine with glutamic acid at codon 303 of the RYR2 protein. Computational prediction suggests that this variant may have deleterious impact on protein structure and function. To our knowledge, functional studies have not been reported for this variant. This variant has not been reported in individuals affected with RYR2-related disorders in the literature. This variant has been identified in 2/31394 chromosomes in the general population by the Genome Aggregation Database (gnomAD). The available evidence is insufficient to determine the role of this variant in disease conclusively. Therefore, this variant is classified as a Variant of Uncertain Significance.

Labcorp Genetics (formerly Invitae), Labcorp
Classification: Uncertain significance for Catecholaminergic polymorphic ventricular tachycardia 1. Last evaluated: 2024-06-21. Review status: criteria provided, single submitter. Criteria: Invitae Variant Classification Sherloc (09022015). Collection method: clinical testing. Allele origin: germline.
Comment: This sequence change replaces glycine, which is neutral and non-polar, with glutamic acid, which is acidic and polar, at codon 303 of the RYR2 protein (p.Gly303Glu). This variant is present in population databases (no rsID available, gnomAD 0.01%). This variant has not been reported in the literature in individuals affected with RYR2-related conditions. Advanced modeling of protein sequence and biophysical properties (such as structural, functional, and spatial information, amino acid conservation, physicochemical variation, residue mobility, and thermodynamic stability) performed at Invitae indicates that this missense variant is expected to disrupt RYR2 protein function with a positive predictive value of 95%. In summary, the available evidence is currently insufficient to determine the role of this variant in disease. Therefore, it has been classified as a Variant of Uncertain Significance.